The following is an entry in ClinVar:

ClinVar aggregate classification (germline): Conflicting classifications of pathogenicity. Review status: criteria provided, conflicting classifications (1 of 4 stars). 3 submissions from 3 submitters: Uncertain significance (1); Likely benign (1). 1 of the submissions does not count toward it. Last evaluated 2025-11-27.

Conditions:
SLC12A2-related disorder. Also called: SLC12A2-related condition; SLC12A2-related disorders.

Allele frequency attached by ClinVar (database versions not stated): TOPMed 0.00002; gnomAD 0.00003; gnomAD exomes 0.00005; ExAC 0.00009.
gnomAD v4.1: 73 of 1,613,380 alleles (0.0045%); highest among the groups gnomAD compares: Middle Eastern, 0.049%; no homozygotes.

Submissions (3):

Dasa
Classification: Uncertain significance. Last evaluated: 2025-11-27. Review status: criteria provided, single submitter. Criteria: DASA Assertion Criteria. Collection method: clinical testing. Allele origin: germline.
Comment: NM_001046.3(SLC12A2):c.652A>G (p.Met218Val) is a missense variant that results in the substitution of methionine with valine. The variant is present at low frequency in population datasets. Based on the available data, this variant is classified as variant of uncertain significance.

Labcorp Genetics (formerly Invitae), Labcorp
Classification: Likely benign. Last evaluated: 2024-11-25. Review status: criteria provided, single submitter. Criteria: Invitae Variant Classification Sherloc (09022015). Collection method: clinical testing. Allele origin: germline.

PreventionGenetics, part of Exact Sciences
Classification: Uncertain significance for SLC12A2-related condition. Last evaluated: 2024-08-05. Review status: no assertion criteria provided. Collection method: clinical testing. Allele origin: germline. Not counted in ClinVar's aggregate classification.
Comment: The SLC12A2 c.652A>G variant is predicted to result in the amino acid substitution p.Met218Val. To our knowledge, this variant has not been reported in the literature. This variant is reported in 0.046% of alleles in individuals of South Asian descent in gnomAD. At this time, the clinical significance of this variant is uncertain due to the absence of conclusive functional and genetic evidence.

NM_001046.3(SLC12A2):c.652A>G (p.Met218Val)

Gene: SLC12A2 (solute carrier family 12 member 2; plus strand). Cytogenetic location: 5q23.3.
Variant type: single nucleotide variant.
Coding change: c.652A>G on transcript NM_001046.3 (MANE Select); coding-DNA position 652, A replaced by G.
Protein change: p.Met218Val; replaces methionine 218 with valine.
Molecular consequence: missense variant. On other transcripts: non-coding transcript variant (1).
Genome position (GRCh38, 1-based): chr5:128,084,606, A>G. VCF-style: chr5-128084606-A-G. GRCh37 (hg19) VCF-style: chr5-127420298-A-G.
Other names: c.652A>G (NM_001046.2); c.652A>G, p.Met218Val (NM_001256461.2); short protein forms M218V.
Identifiers: ClinVar variation 2910640 (VCV002910640.5), dbSNP rs761992472, ClinGen allele CA3392863.